The following is an entry in ClinVar:

NM_001083961.2(WDR62):c.1019A>C (p.Asp340Ala)

Gene: WDR62 (WD repeat domain 62; plus strand). Cytogenetic location: 19q13.12.
Variant type: single nucleotide variant.
Coding change: c.1019A>C on transcript NM_001083961.2 (MANE Select); coding-DNA position 1019, A replaced by C.
Protein change: p.Asp340Ala; replaces aspartic acid 340 with alanine.
Molecular consequence: missense variant. On other transcripts: intron variant (1).
Genome position (GRCh38, 1-based): chr19:36,071,692, A>C. VCF-style: chr19-36071692-A-C. GRCh37 (hg19) VCF-style: chr19-36562594-A-C.
Other names: c.1019A>C, p.Asp340Ala (NM_001411145.1, NM_001411146.1, NM_173636.5); c.882+3682A>C (NM_001411147.1); short protein forms D340A.
Identifiers: ClinVar variation 2846611 (VCV002846611.3), dbSNP rs2513485355, ClinGen allele CA405432253.

ClinVar aggregate classification (germline): Uncertain significance (1 of 4 stars; one submission).

Submission:

Labcorp Genetics (formerly Invitae), Labcorp
Classification: Uncertain significance. Last evaluated: 2023-03-26. Review status: criteria provided, single submitter. Criteria: Invitae Variant Classification Sherloc (09022015). Collection method: clinical testing. Allele origin: germline.
Comment: This sequence change replaces aspartic acid, which is acidic and polar, with alanine, which is neutral and non-polar, at codon 340 of the WDR62 protein (p.Asp340Ala). This variant is not present in population databases (gnomAD no frequency). This variant has not been reported in the literature in individuals affected with WDR62-related conditions. Advanced modeling of protein sequence and biophysical properties (such as structural, functional, and spatial information, amino acid conservation, physicochemical variation, residue mobility, and thermodynamic stability) has been performed at Invitae for this missense variant, however the output from this modeling did not meet the statistical confidence thresholds required to predict the impact of this variant on WDR62 protein function. In summary, the available evidence is currently insufficient to determine the role of this variant in disease. Therefore, it has been classified as a Variant of Uncertain Significance.